The following is an entry in ClinVar:

ClinVar aggregate classification (germline): Uncertain significance (1 of 4 stars; one submission).

gnomAD v4.1: 1 of 1,614,208 alleles (0.000062%); highest among the groups gnomAD compares: Non-Finnish European, 0.000085%; no homozygotes.

Submission:

GeneDx
Classification: Uncertain significance. Last evaluated: 2024-10-21. Review status: criteria provided, single submitter. Criteria: GeneDx Variant Classification Process June 2021. Collection method: clinical testing. Allele origin: germline. Affected: yes.
Comment: Not observed at significant frequency in large population cohorts (gnomAD); In silico analysis supports that this missense variant has a deleterious effect on protein structure/function; Has not been previously published as pathogenic or benign to our knowledge

NM_197968.4(ZMYM2):c.1078C>T (p.Leu360Phe)

Gene: ZMYM2 (zinc finger MYM-type containing 2; plus strand). Cytogenetic location: 13q12.11.
Variant type: single nucleotide variant.
Coding change: c.1078C>T on transcript NM_197968.4 (MANE Select); coding-DNA position 1078, C replaced by T.
Protein change: p.Leu360Phe; replaces leucine 360 with phenylalanine.
Molecular consequence: missense variant. On other transcripts: non-coding transcript variant (1).
Genome position (GRCh38, 1-based): chr13:20,003,080, C>T. VCF-style: chr13-20003080-C-T. GRCh37 (hg19) VCF-style: chr13-20577220-C-T.
Other names: c.1078C>T, p.Leu360Phe (NM_001190964.4, NM_001190965.4, NM_001353157.2 and 5 more transcripts); c.883C>T, p.Leu295Phe (NM_001353161.3); c.817C>T, p.Leu273Phe (NM_001353163.2); short protein forms L295F, L360F, L273F.
Identifiers: ClinVar variation 3781030 (VCV003781030.1).